The following is an entry in ClinVar:

ClinVar aggregate classification (germline): Uncertain significance (1 of 4 stars; one submission).

Conditions:
Cardiovascular phenotype. Identifiers: MedGen CN230736.

gnomAD v4.1: 2 of 1,613,034 alleles (0.00012%); highest among the groups gnomAD compares: Admixed American, 0.0033%; no homozygotes.

Submission:

Ambry Genetics
Classification: Uncertain significance for Cardiovascular phenotype. Last evaluated: 2024-08-22. Review status: criteria provided, single submitter. Criteria: Ambry Variant Classification Scheme 2023. Collection method: clinical testing. Allele origin: germline.
Comment: The p.S2426W variant (also known as c.7277C>G), located in coding exon 20 of the TNXB gene, results from a C to G substitution at nucleotide position 7277. The serine at codon 2426 is replaced by tryptophan, an amino acid with highly dissimilar properties. This amino acid position is conserved. In addition, the in silico prediction for this alteration is inconclusive. Since supporting evidence is limited at this time, the clinical significance of this alteration remains unclear.

NM_001365276.2(TNXB):c.7277C>G (p.Ser2426Trp)

Gene: TNXB (tenascin XB; minus strand). Cytogenetic location: 6p21.33.
Variant type: single nucleotide variant.
Coding change: c.7277C>G on transcript NM_001365276.2 (MANE Select); coding-DNA position 7277, C replaced by G.
Protein change: p.Ser2426Trp; replaces serine 2426 with tryptophan.
Molecular consequence: missense variant.
Genome position (GRCh38, 1-based): chr6:32,061,612, G>C on the plus strand (C>G on the coding strand, the complement: TNXB is on the minus strand). VCF-style: chr6-32061612-G-C. GRCh37 (hg19) VCF-style: chr6-32029389-G-C.
Other names: c.8018C>G, p.Ser2673Trp (NM_001428335.1); c.7277C>G, p.Ser2426Trp (NM_019105.8); short protein forms S2426W, S2673W.
Identifiers: ClinVar variation 3459739 (VCV003459739.1).